The following is an entry in ClinVar:

ClinVar aggregate classification (germline): Uncertain significance (1 of 4 stars; one submission).

gnomAD v4.1: 3 of 1,596,728 alleles (0.00019%); highest among the groups gnomAD compares: Non-Finnish European, 0.00026%; no homozygotes.

Submission:

Labcorp Genetics (formerly Invitae), Labcorp
Classification: Uncertain significance. Last evaluated: 2024-04-29. Review status: criteria provided, single submitter. Criteria: Invitae Variant Classification Sherloc (09022015). Collection method: clinical testing. Allele origin: germline.
Comment: This sequence change replaces alanine, which is neutral and non-polar, with valine, which is neutral and non-polar, at codon 1674 of the POLE protein (p.Ala1674Val). This variant is not present in population databases (gnomAD no frequency). This variant has not been reported in the literature in individuals affected with POLE-related conditions. Advanced modeling of protein sequence and biophysical properties (such as structural, functional, and spatial information, amino acid conservation, physicochemical variation, residue mobility, and thermodynamic stability) has been performed at Invitae for this missense variant, however the output from this modeling did not meet the statistical confidence thresholds required to predict the impact of this variant on POLE protein function. In summary, the available evidence is currently insufficient to determine the role of this variant in disease. Therefore, it has been classified as a Variant of Uncertain Significance.

NM_006231.4(POLE):c.5021C>T (p.Ala1674Val)

Gene: POLE (DNA polymerase epsilon, catalytic subunit; minus strand). Cytogenetic location: 12q24.33.
Variant type: single nucleotide variant.
Coding change: c.5021C>T on transcript NM_006231.4 (MANE Select); coding-DNA position 5021, C replaced by T.
Protein change: p.Ala1674Val; replaces alanine 1674 with valine.
Molecular consequence: missense variant.
Genome position (GRCh38, 1-based): chr12:132,642,329, G>A on the plus strand (C>T on the coding strand, the complement: POLE is on the minus strand). VCF-style: chr12-132642329-G-A. GRCh37 (hg19) VCF-style: chr12-133218915-G-A.
Other names: short protein forms A1674V.
Identifiers: ClinVar variation 3651522 (VCV003651522.2).